The following is an entry in ClinVar:

ClinVar aggregate classification (germline): Uncertain significance (0 of 4 stars; one submission).

Conditions:
BBS4-related disorder. Also called: BBS4-related condition.

Submission:

PreventionGenetics, part of Exact Sciences
Classification: Uncertain significance for BBS4-related condition. Last evaluated: 2024-01-16. Review status: no assertion criteria provided. Collection method: clinical testing. Allele origin: germline.
Comment: The BBS4 c.1037-4G>A variant is predicted to interfere with splicing. To our knowledge, this variant has not been reported in the literature or in a large population database, indicating this variant is rare. At this time, the clinical significance of this variant is uncertain due to the absence of conclusive functional and genetic evidence.

NM_033028.5(BBS4):c.1037-4G>A

Gene: BBS4 (Bardet-Biedl syndrome 4; plus strand). Cytogenetic location: 15q24.1.
Variant type: single nucleotide variant.
Coding change: c.1037-4G>A on transcript NM_033028.5 (MANE Select); 4 bases into the intron before coding-DNA position 1037, G replaced by A.
Molecular consequence: intron variant.
Genome position (GRCh38, 1-based): chr15:72,735,109, G>A. VCF-style: chr15-72735109-G-A. GRCh37 (hg19) VCF-style: chr15-73027450-G-A.
Other names: c.968-4G>A (NM_001320665.2); c.521-4G>A (NM_001252678.2).
Identifiers: ClinVar variation 3349760 (VCV003349760.1).